The following is an entry in ClinVar:

ClinVar aggregate classification (germline): Pathogenic (1 of 4 stars; one submission).

Conditions:
Familial focal epilepsy with variable foci (FPEVF). Identifiers: Orphanet 98820, MedGen C1858477, MONDO:0020310.

Submission:

Labcorp Genetics (formerly Invitae), Labcorp
Classification: Pathogenic for Familial focal epilepsy with variable foci. Last evaluated: 2023-07-07. Review status: criteria provided, single submitter. Criteria: Invitae Variant Classification Sherloc (09022015). Collection method: clinical testing. Allele origin: germline.
Comment: For these reasons, this variant has been classified as Pathogenic. This sequence change creates a premature translational stop signal (p.Asp769Valfs*26) in the DEPDC5 gene. It is expected to result in an absent or disrupted protein product. Loss-of-function variants in DEPDC5 are known to be pathogenic (PMID: 23542697, 23542701). This variant is not present in population databases (gnomAD no frequency). This variant has not been reported in the literature in individuals affected with DEPDC5-related conditions. ClinVar contains an entry for this variant (Variation ID: 1076718).

Literature cited by the submitters: PubMed 23542697; PubMed 23542701.

NM_001242896.3(DEPDC5):c.2304_2305dup (p.Asp769fs)

Gene: DEPDC5 (DEP domain containing 5, GATOR1 subcomplex subunit; plus strand). Cytogenetic location: 22q12.3.
Variant type: Duplication.
Coding change: c.2304_2305dup on transcript NM_001242896.3 (MANE Select); coding-DNA positions 2304 to 2305, 2 bases duplicated (TG; older notation c.2304_2305dupTG).
Protein change: p.Asp769fs; shifts the reading frame from aspartic acid 769.
Molecular consequence: frameshift variant. On other transcripts: non-coding transcript variant (5).
Genome position (GRCh38, 1-based): chr22:31,837,105-31,837,106, TG duplicated. VCF-style (leftmost placement, unchanged base first): chr22-31837104-A-ATG. GRCh37 (hg19) VCF-style: chr22-32233090-A-ATG.
Other names: c.2277_2278dup, p.Asp760fs (NM_001136029.4, NM_001369903.1, NM_014662.6); c.2070_2071dup, p.Asp691fs (NM_001242897.2, NM_001363854.2, NM_001364319.2); c.2304_2305dup, p.Asp769fs (NM_001363852.2, NM_001364318.2, NM_001364320.2); c.2220_2221dup, p.Asp741fs (NM_001369901.1, NM_001369902.1); short protein forms D691fs, D741fs, D760fs, D769fs.
Identifiers: ClinVar variation 1076718 (VCV001076718.7), dbSNP rs2148953333, ClinGen allele CA2499226160.
Genomic context (GRCh38, chr22:31,837,104, plus strand): 5'-CTACTCCGGCGTGCCTCCCCCTTACCACCGACTACTTCCCTGACCGCCAGGGCCTGCAGA[A>ATG]TGACTACACAGAGGGCTGTTATGATCTCCTTCCAGAAGCAGACATCGACAGGTCAGTGTC-3'